The following is an entry in ClinVar:

NM_020822.3(KCNT1):c.62del (p.Gly21fs)

Gene: KCNT1 (potassium sodium-activated channel subfamily T member 1; plus strand). Cytogenetic location: 9q34.3.
Variant type: Deletion.
Coding change: c.62del on transcript NM_020822.3 (MANE Select); coding-DNA position 62, one base deleted (G; older notation c.62delG).
Protein change: p.Gly21fs; shifts the reading frame from glycine 21.
Molecular consequence: frameshift variant.
Genome position (GRCh38, 1-based): chr9:135,702,320, G deleted; the last of 5 consecutive G bases (chr9:135,702,316-135,702,320); deleting any one gives the same sequence. VCF-style (leftmost placement, unchanged base first): chr9-135702315-CG-C. GRCh37 (hg19) VCF-style: chr9-138594161-CG-C.
Other names: c.62del, p.Gly21fs (NM_001272003.2); short protein forms G21fs.
Identifiers: ClinVar variation 2937951 (VCV002937951.3), dbSNP rs2490550970, ClinGen allele CA2692510133.

ClinVar aggregate classification (germline): Uncertain significance (1 of 4 stars; one submission).

Conditions:
Autosomal dominant nocturnal frontal lobe epilepsy 5. Also called: Epilepsy, nocturnal frontal lobe, 5; CILIARY DYSKINESIA, PRIMARY, 28, WITHOUT SITUS INVERSUS; CILIARY DYSKINESIA, PRIMARY, 28, WITH SITUS INVERSUS; KCNT1-Related Epilepsy. Identifiers: Orphanet 98784, MedGen C3554306, MONDO:0014002, OMIM 615005.
Developmental and epileptic encephalopathy, 14 (DEE14). Also called: Early infantile epileptic encephalopathy 14. Identifiers: Orphanet 293181, MedGen C3554195, MONDO:0013989, OMIM 614959.

Submission:

Labcorp Genetics (formerly Invitae), Labcorp
Classification: Uncertain significance for Autosomal dominant nocturnal frontal lobe epilepsy 5; Developmental and epileptic encephalopathy, 14. Last evaluated: 2023-09-03. Review status: criteria provided, single submitter. Criteria: Invitae Variant Classification Sherloc (09022015). Collection method: clinical testing. Allele origin: germline.
Comment: This variant has not been reported in the literature in individuals affected with KCNT1-related conditions. In summary, the available evidence is currently insufficient to determine the role of this variant in disease. Therefore, it has been classified as a Variant of Uncertain Significance. This variant is not present in population databases (gnomAD no frequency). This sequence change creates a premature translational stop signal (p.Gly21Alafs*34) in the KCNT1 gene. It is expected to result in an absent or disrupted protein product. However, the current clinical and genetic evidence is not sufficient to establish whether loss-of-function variants in KCNT1 cause disease.